The following is an entry in ClinVar:

ClinVar aggregate classification (germline): Likely benign. Review status: criteria provided, multiple submitters, no conflicts (2 of 4 stars). 3 submissions from 3 submitters: Likely benign (3). Last evaluated 2026-09-01.

Conditions:
Inborn genetic diseases. Identifiers: MedGen C0950123, MeSH D030342.
Autosomal dominant nonsyndromic hearing loss 20. Identifiers: Orphanet 90635, MedGen C1858172, MONDO:0011480, OMIM 604717.
Baraitser-winter syndrome 2. Identifiers: Orphanet 2995, MedGen C3281235, MONDO:0013812, OMIM 614583.

Allele frequency attached by ClinVar (database versions not stated): TOPMed 0.00001; ExAC 0.00002; gnomAD exomes 0.00002 and 0.00003.
gnomAD v4.1: 36 of 1,613,868 alleles (0.0022%); highest among the groups gnomAD compares: Admixed American, 0.01%; no homozygotes.

Submissions (3):

CeGaT Center for Human Genetics Tuebingen
Classification: Likely benign. Last evaluated: 2026-09-01. Review status: criteria provided, single submitter. Criteria: CeGaT Center For Human Genetics Tuebingen Variant Classification Criteria Version 2. Collection method: clinical testing. Allele origin: germline. Affected: yes. Observed: 1 variant allele.
Comment: ACTG1: BP4

Labcorp Genetics (formerly Invitae), Labcorp
Classification: Likely benign for Baraitser-winter syndrome 2; Autosomal dominant nonsyndromic hearing loss 20. Last evaluated: 2024-09-05. Review status: criteria provided, single submitter. Criteria: Invitae Variant Classification Sherloc (09022015). Collection method: clinical testing. Allele origin: germline.

Ambry Genetics
Classification: Likely benign for Inborn genetic diseases. Last evaluated: 2022-03-07. Review status: criteria provided, single submitter. Criteria: Ambry Variant Classification Scheme 2023. Collection method: clinical testing. Allele origin: germline.

NM_001614.5(ACTG1):c.803-4C>T

Gene: ACTG1 (actin gamma 1; minus strand). Cytogenetic location: 17q25.3.
Variant type: single nucleotide variant.
Coding change: c.803-4C>T on transcript NM_001614.5 (MANE Select); 4 bases into the intron before coding-DNA position 803, C replaced by T.
Molecular consequence: intron variant.
Genome position (GRCh38, 1-based): chr17:81,511,112, G>A on the plus strand (C>T on the coding strand, the complement: ACTG1 is on the minus strand). VCF-style: chr17-81511112-G-A. GRCh37 (hg19) VCF-style: chr17-79478138-G-A.
Other names: c.803-4C>T (NM_001199954.3).
Identifiers: ClinVar variation 540215 (VCV000540215.9), dbSNP rs782608976, ClinGen allele CA8835939.